The following is an entry in ClinVar:

NM_006073.4(TRDN):c.160A>T (p.Ile54Phe)

Gene: TRDN (triadin; minus strand). Cytogenetic location: 6q22.31.
Variant type: single nucleotide variant.
Coding change: c.160A>T on transcript NM_006073.4 (MANE Select); coding-DNA position 160, A replaced by T.
Protein change: p.Ile54Phe; replaces isoleucine 54 with phenylalanine.
Molecular consequence: missense variant.
Genome position (GRCh38, 1-based): chr6:123,570,995, T>A on the plus strand (A>T on the coding strand, the complement: TRDN is on the minus strand). VCF-style: chr6-123570995-T-A. GRCh37 (hg19) VCF-style: chr6-123892140-T-A.
Other names: c.160A>T, p.Ile54Phe (NM_001251987.2, NM_001256020.2, NM_001256021.2 and 2 more transcripts); short protein forms I54F.
Identifiers: ClinVar variation 5031102 (VCV005031102.1).
Genomic context (GRCh38, chr6:123,570,995, plus strand): 5'-TGTAATCCACTAAATCAAACATAACGATGGCAACAGCTGACCACGTGATTATCAGGGCAA[T>A]GACCAGAAGCCAGGCTGCAGGGGAGCTGAACGTCGTCACTATGTCTTCTGTGACTGTCCT-3'
Protein context (NP_006064.2, residues 44-64): FSSPAAWLLV[Ile54Phe]ALIITWSAVA

ClinVar aggregate classification (germline): Uncertain significance (1 of 4 stars; one submission).

Conditions:
Cardiovascular phenotype. Identifiers: MedGen CN230736.

gnomAD v4.1: 2 of 1,614,014 alleles (0.00012%); highest among the groups gnomAD compares: Non-Finnish European, 0.00017%; no homozygotes.

Submission:

Ambry Genetics
Classification: Uncertain significance for Cardiovascular phenotype. Last evaluated: 2026-07-26. Review status: criteria provided, single submitter. Criteria: Ambry Variant Classification Scheme 2023. Collection method: clinical testing. Allele origin: germline.
Comment: The p.I54F variant (also known as c.160A>T), located in coding exon 2 of the TRDN gene, results from an A to T substitution at nucleotide position 160. The isoleucine at codon 54 is replaced by phenylalanine, an amino acid with highly similar properties. This amino acid position is conserved. In addition, this alteration is predicted to be tolerated by in silico analysis. Based on the available evidence, the clinical significance of this variant remains unclear.